The following is an entry in ClinVar:

ClinVar aggregate classification (germline): Uncertain significance (1 of 4 stars; one submission).

Allele frequency attached by ClinVar (database versions not stated): gnomAD exomes below 0.00001.
gnomAD v4.1: 2 of 1,613,908 alleles (0.00012%); highest among the groups gnomAD compares: South Asian, 0.0011%; no homozygotes.

Submission:

Labcorp Genetics (formerly Invitae), Labcorp
Classification: Uncertain significance. Last evaluated: 2022-03-02. Review status: criteria provided, single submitter. Criteria: Invitae Variant Classification Sherloc (09022015). Collection method: clinical testing. Allele origin: germline.
Comment: This variant is not present in population databases (gnomAD no frequency). This sequence change replaces isoleucine, which is neutral and non-polar, with threonine, which is neutral and polar, at codon 49 of the PMP2 protein (p.Ile49Thr). This variant has not been reported in the literature in individuals affected with PMP2-related conditions. In summary, the available evidence is currently insufficient to determine the role of this variant in disease. Therefore, it has been classified as a Variant of Uncertain Significance. Algorithms developed to predict the effect of missense changes on protein structure and function output the following: SIFT: "Tolerated"; PolyPhen-2: "Benign"; Align-GVGD: "Class C0". The threonine amino acid residue is found in multiple mammalian species, which suggests that this missense change does not adversely affect protein function.

NM_002677.5(PMP2):c.146T>C (p.Ile49Thr)

Gene: PMP2 (peripheral myelin protein 2; minus strand). Cytogenetic location: 8q21.13.
Variant type: single nucleotide variant.
Coding change: c.146T>C on transcript NM_002677.5 (MANE Select); coding-DNA position 146, T replaced by C.
Protein change: p.Ile49Thr; replaces isoleucine 49 with threonine.
Molecular consequence: missense variant. On other transcripts: intron variant (1).
Genome position (GRCh38, 1-based): chr8:81,444,917, A>G on the plus strand (T>C on the coding strand, the complement: PMP2 is on the minus strand). VCF-style: chr8-81444917-A-G. GRCh37 (hg19) VCF-style: chr8-82357152-A-G.
Other names: c.74-316T>C (NM_001348381.2); short protein forms I49T.
Identifiers: ClinVar variation 1946380 (VCV001946380.5), dbSNP rs1807421792, ClinGen allele CA371518096.